The following is an entry in ClinVar:

ClinVar aggregate classification (germline): Likely benign. Review status: criteria provided, single submitter (1 of 4 stars). 2 submissions from 2 submitters: Likely benign (1). 1 of the submissions does not count toward it. Last evaluated 2026-01-27.

Conditions:
Peroxisome biogenesis disorder. Identifiers: Orphanet 79189, MedGen C1832200, MONDO:0019234. Disease mechanism: loss of function.
PEX16-related disorder. Also called: PEX16-related condition.

Allele frequency attached by ClinVar (database versions not stated): gnomAD exomes below 0.00001; TOPMed below 0.00001.
gnomAD v4.1: 2 of 1,614,008 alleles (0.00012%); highest among the groups gnomAD compares: Middle Eastern, 0.016%; no homozygotes.

Submissions (2):

Labcorp Genetics (formerly Invitae), Labcorp
Classification: Likely benign for Peroxisome biogenesis disorder. Last evaluated: 2026-01-27. Review status: criteria provided, single submitter. Criteria: Invitae Variant Classification Sherloc (09022015). Collection method: clinical testing. Allele origin: germline.

PreventionGenetics, part of Exact Sciences
Classification: Likely benign for PEX16-related condition. Last evaluated: 2023-08-30. Review status: no assertion criteria provided. Collection method: clinical testing. Allele origin: germline. Not counted in ClinVar's aggregate classification.
Comment: This variant is classified as likely benign based on ACMG/AMP sequence variant interpretation guidelines (Richards et al. 2015 PMID: 25741868, with internal and published modifications).

NM_004813.4(PEX16):c.113-10C>T

Gene: PEX16 (peroxisomal biogenesis factor 16; minus strand). Cytogenetic location: 11p11.2.
Variant type: single nucleotide variant.
Coding change: c.113-10C>T on transcript NM_004813.4 (MANE Select); 10 bases into the intron before coding-DNA position 113, C replaced by T.
Molecular consequence: intron variant.
Genome position (GRCh38, 1-based): chr11:45,917,503, G>A on the plus strand (C>T on the coding strand, the complement: PEX16 is on the minus strand). VCF-style: chr11-45917503-G-A. GRCh37 (hg19) VCF-style: chr11-45939054-G-A.
Other names: c.113-10C>T (NM_004813.2, NM_057174.3).
Identifiers: ClinVar variation 1554908 (VCV001554908.10), dbSNP rs1414680049, ClinGen allele CA599028603.